The following is an entry in ClinVar:

NM_001370466.1(NOD2):c.2717+158C>T

Gene: NOD2 (nucleotide binding oligomerization domain containing 2; plus strand). Cytogenetic location: 16q12.1.
Variant type: single nucleotide variant.
Coding change: c.2717+158C>T on transcript NM_001370466.1 (MANE Select); 158 bases into the intron after coding-DNA position 2717, C replaced by T.
Molecular consequence: intron variant.
Genome position (GRCh38, 1-based): chr16:50,722,863, C>T. VCF-style: chr16-50722863-C-T. GRCh37 (hg19) VCF-style: chr16-50756774-C-T.
Other names: c.2798+158C>T (NM_022162.3); c.2717+158C>T (NM_001293557.2).
Identifiers: ClinVar variation 4697 (VCV000004697.56), dbSNP rs5743289, ClinGen allele CA117024.

ClinVar aggregate classification (germline): Conflicting classifications of pathogenicity. Review status: criteria provided, conflicting classifications (1 of 4 stars). 12 submissions from 10 submitters: Uncertain significance (2); Benign (1); Likely benign (5). 4 of the submissions do not count toward it. Last evaluated 2026-07-31.

Conditions:
Yao syndrome. Also called: Susceptibility to Yao syndrome. Identifiers: MedGen C4310620, MONDO:0015019, OMIM 617321.
Autoinflammatory syndrome. Identifiers: Orphanet 93665, MedGen C3890737, MONDO:0019751.
Blau syndrome (BLAUS). Also called: JABS SYNDROME; ARTHROCUTANEOUVEAL GRANULOMATOSIS; GRANULOMATOSIS, FAMILIAL JUVENILE SYSTEMIC; GRANULOMATOSIS, FAMILIAL, BLAU TYPE; GRANULOMATOUS INFLAMMATORY ARTHRITIS, DERMATITIS, AND UVEITIS, FAMILIAL. Identifiers: Orphanet 90340, MedGen C5201146, MONDO:0008523, OMIM 186580.
Regional enteritis. Also called: Enteritis, Granulomatous. Identifiers: MedGen C0678202, MeSH D003424.
Inflammatory bowel disease 1 (IBD1). Also called: Inflammatory bowel disease 1, Crohn disease; INFLAMMATORY BOWEL DISEASE (CROHN DISEASE) 1. Identifiers: MedGen CN260071, MONDO:0009960, OMIM 266600.

Allele frequency attached by ClinVar (database versions not stated): 1000 Genomes Project 0.05172; 1000 Genomes Project 30x 0.05606; gnomAD 0.10180; TOPMed 0.10990.

Submissions (12):

GeneDx
Classification: Likely benign. Last evaluated: 2026-07-31. Review status: criteria provided, single submitter. Criteria: GeneDx Variant Classification Process June 2021. Collection method: clinical testing. Allele origin: germline.
Comment: See Variant Classification Assertion Criteria.

Labcorp Genetics (formerly Invitae), Labcorp
Classification: Likely benign for Regional enteritis; Blau syndrome. Last evaluated: 2026-01-26. Review status: criteria provided, single submitter. Criteria: Invitae Variant Classification Sherloc (09022015). Collection method: clinical testing. Allele origin: germline.

Department of Pathology and Laboratory Medicine, Sinai Health System
Classification: Uncertain significance for Blau syndrome. Last evaluated: 2023-02-03. Review status: criteria provided, single submitter. Criteria: ACMG Guidelines, 2015. Collection method: research. Allele origin: germline.

Blueprint Genetics
Classification: Likely benign. Last evaluated: 2022-01-11. Review status: criteria provided, single submitter. Criteria: ACMG Guidelines, 2015. Collection method: clinical testing. Allele origin: germline.

Undiagnosed Diseases Network, NIH
Classification: Uncertain significance for Yao syndrome. Last evaluated: 2020-08-18. Review status: criteria provided, single submitter. Criteria: ACMG Guidelines, 2015. Collection method: clinical testing. Allele origin: unknown. Inheritance: Autosomal recessive inheritance. Affected: yes. Observed: 1 variant allele, 1 compound heterozygote. Study: Undiagnosed Diseases Network (NIH), UDN.

CeGaT Center for Human Genetics Tuebingen
Classification: Likely benign. Last evaluated: 2020-02-01. Review status: criteria provided, single submitter. Criteria: CeGaT Center For Human Genetics Tuebingen Variant Classification Criteria Version 2. Collection method: clinical testing. Allele origin: germline. Affected: yes. Observed: 1 variant allele.

Breda Genetics srl
Classification: Likely benign for Autoinflammatory syndrome. Last evaluated: 2019-11-05. Review status: criteria provided, single submitter. Criteria: ACMG Guidelines, 2015. Collection method: clinical testing. Allele origin: unknown. Inheritance: Autosomal dominant inheritance. Affected: yes. Observed: 1 variant allele, 1 heterozygote.
Comment: The variant is reported as risk factor for susceptibility to Crohn disease and susceptibility to Yao syndrome in ClinVar (Variation ID: 4697). It is also reported in ClinVar as pathogenic for Blau syndrome in one study for a patient with early-onset sarcoidosis and gastrointestinal granulomas (Borzutzky et al., 2010, PMID: 19467619), although in the article the authors define the variant only as polymorphism related to a susceptibility to Crohn disease. Furthermore, the variant is reported with an estimated allele frequency of 0.052 in 1000 Genomes Project and 0.1018 in gnomAD genomes, with homozygous individuals reported. We have also observed this variant in a large subset of samples without autoinflammatory syndromes at Breda Genetics. Based on the current evidence and high allele frequency, we interpret this variant as likely neutral in regard of pure mendelian inheritance for any form of genetic autoinflammatory syndrome.

Genome Diagnostics Laboratory, The Hospital for Sick Children
Classification: Benign for Autoinflammatory syndrome. Last evaluated: 2016-12-12. Review status: criteria provided, single submitter. Criteria: ACMG Guidelines, 2015. Collection method: clinical testing. Allele origin: germline. Affected: yes.

OMIM
Classification: risk factor for INFLAMMATORY BOWEL DISEASE 1 (CROHN DISEASE), SUSCEPTIBILITY TO. Last evaluated: 2004-04-01. Review status: no assertion criteria provided. Collection method: literature only. Allele origin: germline. Not counted in ClinVar's aggregate classification.

OMIM
Classification: Pathogenic for BLAU SYNDROME. Last evaluated: 2004-04-01. Review status: no assertion criteria provided. Collection method: literature only. Allele origin: germline. Not counted in ClinVar's aggregate classification.

OMIM
Classification: risk factor for YAO SYNDROME, SUSCEPTIBILITY TO. Last evaluated: 2004-04-01. Review status: no assertion criteria provided. Collection method: literature only. Allele origin: germline. Not counted in ClinVar's aggregate classification.

Laboratorio de Genética, Hospital Universitario Reina Sofía
Classification: Likely pathogenic for Blau syndrome. Review status: no assertion criteria provided. Collection method: clinical testing. Allele origin: germline. Inheritance: Autosomal dominant inheritance. Affected: yes. Observed: 1 heterozygote. Not counted in ClinVar's aggregate classification.
Comment: This variant has been reported in 84 caucassian patients (Borzutzky et al., 2009, Yao et al. 2011, Yao et al. 2015, Yao et al., 2012), all of them diagnosed of autoinflammatory disease with a clinical phenotype that resemble Blau’s syndrome. Based upon the literature and our own experience we classified this variant as likely pathogenic.

Literature cited by the submitters: PubMed 12577202 (cited by OMIM); PubMed 14765395 (cited by OMIM); PubMed 15024686 (cited by OMIM); PubMed 19467619 (cited by OMIM); PubMed 21914217 (cited by OMIM); PubMed 23102769 (cited by OMIM); PubMed 26070941 (cited by OMIM); DOI 10.1016/j.clim.2009.05.005 (cited by Laboratorio de Genética, Hospital Universitario Reina Sofía); DOI 10.1186/ar3462 (cited by Laboratorio de Genética, Hospital Universitario Reina Sofía); DOI 10.1093/rheumatology/kev207 (cited by Laboratorio de Genética, Hospital Universitario Reina Sofía); DOI 10.1016/j.jaad.2012.09.025 (cited by Laboratorio de Genética, Hospital Universitario Reina Sofía).